The following is an entry in ClinVar:

NM_138295.5(PKD1L1):c.5322A>C (p.Val1774=)

Gene: PKD1L1 (polycystin 1 like 1, transient receptor potential channel interacting; minus strand). Cytogenetic location: 7p12.3.
Variant type: single nucleotide variant.
Coding change: c.5322A>C on transcript NM_138295.5 (MANE Select); coding-DNA position 5322, A replaced by C.
Protein change: p.Val1774=; no amino-acid change (valine 1774 retained).
Molecular consequence: synonymous variant.
Genome position (GRCh38, 1-based): chr7:47,843,085, T>G on the plus strand (A>C on the coding strand, the complement: PKD1L1 is on the minus strand). VCF-style: chr7-47843085-T-G. GRCh37 (hg19) VCF-style: chr7-47882683-T-G.
Identifiers: ClinVar variation 4978349 (VCV004978349.1).

ClinVar aggregate classification (germline): Likely benign (1 of 4 stars; one submission).

Conditions:
PKD1L1-related disorder. Also called: PKD1L1-related condition.

gnomAD v4.1: 15 of 1,613,746 alleles (0.00093%); highest among the groups gnomAD compares: Admixed American, 0.025%; no homozygotes.

Submission:

PreventionGenetics, part of Exact Sciences
Classification: Likely benign for PKD1L1-related condition. Last evaluated: 2025-05-15. Review status: criteria provided, single submitter. Criteria: ACMG Guidelines, 2015. Collection method: clinical testing. Allele origin: germline.
Comment: This variant is classified as likely benign based on ACMG/AMP sequence variant interpretation guidelines (Richards et al. 2015 PMID: 25741868, with internal and published modifications).